The following is an entry in ClinVar:

ClinVar aggregate classification (germline): Likely pathogenic (1 of 4 stars; one submission).

Submission:

Centre of Medical Genetics, University Hospital Muenster
Classification: Likely pathogenic. Last evaluated: 2024-03-08. Review status: criteria provided, single submitter. Criteria: ACMG Guidelines, 2015. Collection method: clinical testing. Allele origin: unknown. Affected: yes. Observed: 1 variant allele, 1 heterozygote.
Comment: ACMG categories: PM1,PM2,PP3,PP4

NM_000338.3(SLC12A1):c.2873+6T>G

Gene: SLC12A1 (solute carrier family 12 member 1; plus strand). Cytogenetic location: 15q21.1.
Variant type: single nucleotide variant.
Coding change: c.2873+6T>G on transcript NM_000338.3 (MANE Select); 6 bases into the intron after coding-DNA position 2873, T replaced by G.
Molecular consequence: intron variant.
Genome position (GRCh38, 1-based): chr15:48,288,522, T>G. VCF-style: chr15-48288522-T-G. GRCh37 (hg19) VCF-style: chr15-48580719-T-G.
Other names: c.2873+6T>G (NM_001384136.1, NM_001184832.2).
Identifiers: ClinVar variation 3248632 (VCV003248632.1), dbSNP rs2505192006.